The following is an entry in ClinVar:

NM_000171.4(GLRA1):c.89G>A (p.Arg30His)

Gene: GLRA1 (glycine receptor alpha 1; minus strand). Cytogenetic location: 5q33.1.
Variant type: single nucleotide variant.
Coding change: c.89G>A on transcript NM_000171.4 (MANE Select); coding-DNA position 89, G replaced by A.
Protein change: p.Arg30His; replaces arginine 30 with histidine.
Molecular consequence: missense variant. On other transcripts: intron variant (1).
Genome position (GRCh38, 1-based): chr5:151,892,406, C>T on the plus strand (G>A on the coding strand, the complement: GLRA1 is on the minus strand). VCF-style: chr5-151892406-C-T. GRCh37 (hg19) VCF-style: chr5-151271967-C-T.
Other names: c.89G>A, p.Arg30His (NM_001146040.2); c.-65-5618G>A (NM_001292000.2); c.89G>A (NM_000171.3); short protein forms R30H.
Identifiers: ClinVar variation 1014337 (VCV001014337.8), dbSNP rs199910297, ClinGen allele CA3523777.

ClinVar aggregate classification (germline): Conflicting classifications of pathogenicity. Review status: criteria provided, conflicting classifications (1 of 4 stars). 3 submissions from 3 submitters: Uncertain significance (2); Likely benign (1). Last evaluated 2025-10-14.

Conditions:
Hereditary hyperekplexia. Identifiers: Orphanet 3197, MedGen C4084968, MONDO:0021022.

Allele frequency attached by ClinVar (database versions not stated): gnomAD exomes 0.00002 and 0.00006; ExAC 0.00006; gnomAD 0.00010; TOPMed 0.00012; 1000 Genomes Project 30x 0.00016; 1000 Genomes Project 0.00020.
gnomAD v4.1: 51 of 1,613,980 alleles (0.0032%); highest among the groups gnomAD compares: African/African-American, 0.028%; no homozygotes.

Submissions (3):

Labcorp Genetics (formerly Invitae), Labcorp
Classification: Likely benign for Hereditary hyperekplexia. Last evaluated: 2025-10-14. Review status: criteria provided, single submitter. Criteria: Invitae Variant Classification Sherloc (09022015). Collection method: clinical testing. Allele origin: germline.

GeneDx
Classification: Uncertain significance. Last evaluated: 2023-11-14. Review status: criteria provided, single submitter. Criteria: GeneDx Variant Classification Process June 2021. Collection method: clinical testing. Allele origin: germline. Affected: yes.
Comment: In silico analysis supports that this missense variant does not alter protein structure/function; Has not been previously published as pathogenic or benign to our knowledge

Women's Health and Genetics/Laboratory Corporation of America, LabCorp
Classification: Uncertain significance. Last evaluated: 2023-07-03. Review status: criteria provided, single submitter. Criteria: LabCorp Variant Classification Summary - May 2015. Collection method: clinical testing. Allele origin: germline.
Comment: Variant summary: GLRA1 c.89G>A (p.Arg30His) results in a non-conservative amino acid change in the encoded protein sequence. Three of five in-silico tools predict a damaging effect of the variant on protein function. The variant allele was found at a frequency of 5.6e-05 in 251036 control chromosomes (gnomAD). To our knowledge, no occurrence of c.89G>A in individuals affected with Hyperekplexia 1 and no experimental evidence demonstrating its impact on protein function have been reported. One submitter has cited clinical-significance assessments for this variant to ClinVar after 2014 and has classified the variant as likely benign. Based on the evidence outlined above, the variant was classified as uncertain significance.